The following is an entry in ClinVar:

NM_001369458.1(NFIB):c.35C>A (p.Thr12Lys)

Gene: NFIB (nuclear factor I B; minus strand). Cytogenetic location: 9p22.3.
Variant type: single nucleotide variant.
Coding change: c.35C>A on transcript NM_001369458.1; coding-DNA position 35, C replaced by A.
Protein change: p.Thr12Lys; replaces threonine 12 with lysine.
Molecular consequence: missense variant.
Genome position (GRCh38, 1-based): chr9:14,532,008, G>T on the plus strand (C>A on the coding strand, the complement: NFIB is on the minus strand). VCF-style: chr9-14532008-G-T. GRCh37 (hg19) VCF-style: chr9-14532006-G-T.
Other names: c.35C>A, p.Thr12Lys (NM_001369459.1, NM_001369462.1, NM_001369468.1); short protein forms T12K.
Identifiers: ClinVar variation 3771729 (VCV003771729.13).

ClinVar aggregate classification (germline): Likely benign (1 of 4 stars; one submission).

gnomAD v4.1: 4 of 152,928 alleles (0.0026%); highest among the groups gnomAD compares: South Asian, 0.041%; no homozygotes.

Submission:

CeGaT Center for Human Genetics Tuebingen
Classification: Likely benign. Last evaluated: 2025-02-01. Review status: criteria provided, single submitter. Criteria: CeGaT Center For Human Genetics Tuebingen Variant Classification Criteria Version 2. Collection method: clinical testing. Allele origin: germline. Affected: yes. Observed: 1 variant allele.
Comment: NFIB: PP3, BS2